The following is an entry in ClinVar:

ClinVar aggregate classification (germline): Uncertain significance (1 of 4 stars; one submission).

Conditions:
Mevalonic aciduria (MEVA). Identifiers: Orphanet 29, MedGen C1959626, MONDO:0012481, OMIM 610377.
Hyperimmunoglobulin D with periodic fever (HIDS). Also called: HYPERIMMUNOGLOBULINEMIA D AND PERIODIC FEVER SYNDROME; Hyperimmunoglobulinemia D with periodic fever; Hyperimmunoglobulinemia D. Identifiers: Orphanet 343, MedGen C0398691, MONDO:0009849, OMIM 260920.
Porokeratosis 3, disseminated superficial actinic type (POROK3). Also called: POROKERATOSIS, DISSEMINATED SUPERFICIAL ACTINIC, 1; POROKERATOSIS 3, MULTIPLE TYPES; POROKERATOSIS 3, MIBELLI TYPE. Identifiers: MedGen C1867981, MONDO:0008293, OMIM 175900.

Submission:

Labcorp Genetics (formerly Invitae), Labcorp
Classification: Uncertain significance for Mevalonic aciduria; Hyperimmunoglobulin D with periodic fever; Porokeratosis 3, disseminated superficial actinic type. Last evaluated: 2024-05-02. Review status: criteria provided, single submitter. Criteria: Invitae Variant Classification Sherloc (09022015). Collection method: clinical testing. Allele origin: germline.
Comment: This sequence change replaces serine, which is neutral and polar, with lysine, which is basic and polar, at codon 45 of the MVK protein (p.Ser45Lys). Information on the frequency of this variant in the gnomAD database is not available, as this variant may be reported differently in the database. This variant has not been reported in the literature in individuals affected with MVK-related conditions. An algorithm developed to predict the effect of missense changes on protein structure and function (PolyPhen-2) suggests that this variant is likely to be tolerated. In summary, the available evidence is currently insufficient to determine the role of this variant in disease. Therefore, it has been classified as a Variant of Uncertain Significance.

NM_000431.4(MVK):c.134_135delinsAA (p.Ser45Lys)

Gene: MVK (mevalonate kinase; plus strand). Cytogenetic location: 12q24.11.
Variant type: Indel.
Coding change: c.134_135delinsAA on transcript NM_000431.4 (MANE Select); coding-DNA positions 134 to 135, GC replaced by AA.
Protein change: p.Ser45Lys; replaces serine 45 with lysine.
Molecular consequence: missense variant. On other transcripts: 5 prime UTR variant (1), non-coding transcript variant (4).
Genome position (GRCh38, 1-based): chr12:109,576,053-109,576,054, GC replaced by AA. VCF-style: chr12-109576053-GC-AA. GRCh37 (hg19) VCF-style: chr12-110013858-GC-AA.
Other names: c.134_135delinsAA, p.Ser45Lys (NM_001114185.3, NM_001301182.2, NM_001414511.1 and 3 more transcripts); c.-449_-448delinsAA (NM_001414515.1); short protein forms S45K.
Identifiers: ClinVar variation 3748932 (VCV003748932.2).